The following is an entry in ClinVar:

NM_001401501.2(MUC16):c.44232C>G (p.Leu14744=)

Gene: MUC16 (mucin 16, cell surface associated; minus strand). Cytogenetic location: 19p13.2.
Variant type: single nucleotide variant.
Coding change: c.44232C>G on transcript NM_001401501.2 (MANE Select); coding-DNA position 44232, C replaced by G.
Protein change: p.Leu14744=; no amino-acid change (leucine 14744 retained).
Molecular consequence: synonymous variant.
Genome position (GRCh38, 1-based): chr19:8,882,707, G>C on the plus strand (C>G on the coding strand, the complement: MUC16 is on the minus strand). VCF-style: chr19-8882707-G-C. GRCh37 (hg19) VCF-style: chr19-8993383-G-C.
Other names: c.44658C>G, p.Leu14886= (NM_001414686.1); c.44112C>G, p.Leu14704= (NM_001414687.1); c.41706C>G, p.Leu13902= (NM_024690.2).
Identifiers: ClinVar variation 3056015 (VCV003056015.2), dbSNP rs117289107, ClinGen allele CA9162726.

ClinVar aggregate classification (germline): Benign (0 of 4 stars; one submission).

Conditions:
MUC16-related disorder. Also called: MUC16-related condition.

Allele frequency attached by ClinVar (database versions not stated): 1000 Genomes Project 30x 0.01031; 1000 Genomes Project 0.01038; TOPMed 0.01469; ExAC 0.01702; ESP Exome Variant Server 0.01771.

Submission:

PreventionGenetics, part of Exact Sciences
Classification: Benign for MUC16-related condition. Last evaluated: 2019-06-28. Review status: no assertion criteria provided. Collection method: clinical testing. Allele origin: germline.
Comment: This variant is classified as benign based on ACMG/AMP sequence variant interpretation guidelines (Richards et al. 2015 PMID: 25741868, with internal and published modifications).